The following is an entry in ClinVar:

NM_000268.4(NF2):c.185T>C (p.Phe62Ser)

Gene: NF2 (NF2, moesin-ezrin-radixin like (MERLIN) tumor suppressor; plus strand). Cytogenetic location: 22q12.2.
Variant type: single nucleotide variant.
Coding change: c.185T>C on transcript NM_000268.4 (MANE Select); coding-DNA position 185, T replaced by C.
Protein change: p.Phe62Ser; replaces phenylalanine 62 with serine.
Molecular consequence: missense variant. On other transcripts: non-coding transcript variant (1), intron variant (3).
Genome position (GRCh38, 1-based): chr22:29,636,821, T>C. VCF-style: chr22-29636821-T-C. GRCh37 (hg19) VCF-style: chr22-30032810-T-C.
Other names: c.185T>C, p.Phe62Ser (NM_016418.5, NM_181825.3, NM_181829.3 and 2 more transcripts); c.115-2269T>C (NM_181828.3); c.115-5381T>C (NM_181830.3, NM_181831.3); short protein forms F62S.
Identifiers: ClinVar variation 3297 (VCV000003297.6), dbSNP rs121434261, ClinGen allele CA021406.

ClinVar aggregate classification (germline): Conflicting classifications of pathogenicity. Review status: criteria provided, conflicting classifications (1 of 4 stars). 3 submissions from 3 submitters: Likely pathogenic (1); Uncertain significance (1). 1 of the submissions does not count toward it. Last evaluated 2024-10-11.

Conditions:
Neurofibromatosis, type 2 (SWNV). Also called: BILATERAL ACOUSTIC NEUROFIBROMATOSIS; NF2-Related Schwannomatosis; SCHWANNOMATOSIS, VESTIBULAR. Identifiers: Orphanet 637, MedGen C0027832, MONDO:0007039, OMIM 101000. Disease mechanism: loss of function.
Acoustic neuroma. Also called: Vestibular schwannoma; Vestibular schwannoma (disease). Identifiers: Orphanet 252175, MedGen C0027859, MONDO:0001569, HP:0009588.

Submissions (3):

Institute of Medical Genetics and Applied Genomics, University Hospital Tübingen
Classification: Likely pathogenic for Acoustic neuroma. Last evaluated: 2024-10-11. Review status: criteria provided, single submitter. Criteria: ACMG Guidelines, 2015. Collection method: clinical testing. Allele origin: germline. Inheritance: Autosomal dominant inheritance. Affected: yes.

Labcorp Genetics (formerly Invitae), Labcorp
Classification: Uncertain significance for Neurofibromatosis, type 2. Last evaluated: 2024-06-18. Review status: criteria provided, single submitter. Criteria: Invitae Variant Classification Sherloc (09022015). Collection method: clinical testing. Allele origin: germline.
Comment: This sequence change replaces phenylalanine, which is neutral and non-polar, with serine, which is neutral and polar, at codon 62 of the NF2 protein (p.Phe62Ser). This variant is not present in population databases (gnomAD no frequency). This missense change has been observed in individuals with clinical features of NF2-related conditions (PMID: 8081368, 8757035; Invitae). ClinVar contains an entry for this variant (Variation ID: 3297). Advanced modeling of protein sequence and biophysical properties (such as structural, functional, and spatial information, amino acid conservation, physicochemical variation, residue mobility, and thermodynamic stability) performed at Invitae indicates that this missense variant is expected to disrupt NF2 protein function with a positive predictive value of 80%. Experimental studies have shown that this missense change affects NF2 function (PMID: 12118253). In summary, the available evidence is currently insufficient to determine the role of this variant in disease. Therefore, it has been classified as a Variant of Uncertain Significance.

OMIM
Classification: Pathogenic for SHWANNOMATOSIS, VESTIBULAR. Last evaluated: 2002-08-01. Review status: no assertion criteria provided. Collection method: literature only. Allele origin: germline. Not counted in ClinVar's aggregate classification.

Literature cited by the submitters: PubMed 8081368 (cited by Labcorp Genetics (formerly Invitae), Labcorp and OMIM); PubMed 8757035 (cited by Labcorp Genetics (formerly Invitae), Labcorp and OMIM); PubMed 12118253 (cited by Labcorp Genetics (formerly Invitae), Labcorp and OMIM).